The following is an entry in ClinVar:

NM_017654.4(SAMD9):c.3896A>G (p.Tyr1299Cys)

Gene: SAMD9 (sterile alpha motif domain containing 9; minus strand). Cytogenetic location: 7q21.2.
Variant type: single nucleotide variant.
Coding change: c.3896A>G on transcript NM_017654.4 (MANE Select); coding-DNA position 3896, A replaced by G.
Protein change: p.Tyr1299Cys; replaces tyrosine 1299 with cysteine.
Molecular consequence: missense variant.
Genome position (GRCh38, 1-based): chr7:93,102,202, T>C on the plus strand (A>G on the coding strand, the complement: SAMD9 is on the minus strand). VCF-style: chr7-93102202-T-C. GRCh37 (hg19) VCF-style: chr7-92731515-T-C.
Other names: c.3896A>G, p.Tyr1299Cys (NM_001193307.2); short protein forms Y1299C.
Identifiers: ClinVar variation 3684109 (VCV003684109.2).
Genomic context (GRCh38, chr7:93,102,202, plus strand): 5'-AGACCTGTGTTGTTTTGTGATTCTTCTAAGAGACAAAATATATCTACATATTTCTTAAAA[T>C]ATCCAGCCACCTTTCTCCGAGTTTTGGCCTCTTCATTTTGCTTAATATTGTTCCTGGGTT-3'
Protein context (NP_060124.2, residues 1289-1309): EAKTRRKVAG[Tyr1299Cys]FKKYVDIFCL

ClinVar aggregate classification (germline): Uncertain significance (1 of 4 stars; one submission).

Submission:

Labcorp Genetics (formerly Invitae), Labcorp
Classification: Uncertain significance. Last evaluated: 2024-07-25. Review status: criteria provided, single submitter. Criteria: Invitae Variant Classification Sherloc (09022015). Collection method: clinical testing. Allele origin: germline.
Comment: This sequence change replaces tyrosine, which is neutral and polar, with cysteine, which is neutral and slightly polar, at codon 1299 of the SAMD9 protein (p.Tyr1299Cys). This variant is not present in population databases (gnomAD no frequency). This variant has not been reported in the literature in individuals affected with SAMD9-related conditions. Advanced modeling of protein sequence and biophysical properties (such as structural, functional, and spatial information, amino acid conservation, physicochemical variation, residue mobility, and thermodynamic stability) performed at Invitae indicates that this missense variant is not expected to disrupt SAMD9 protein function with a negative predictive value of 95%. In summary, the available evidence is currently insufficient to determine the role of this variant in disease. Therefore, it has been classified as a Variant of Uncertain Significance.